The following is an entry in ClinVar:

NM_001375.3(DNASE2):c.414G>A (p.Pro138=)

Gene: DNASE2 (deoxyribonuclease 2, lysosomal; minus strand). Cytogenetic location: 19p13.13.
Variant type: single nucleotide variant.
Coding change: c.414G>A on transcript NM_001375.3 (MANE Select); coding-DNA position 414, G replaced by A.
Protein change: p.Pro138=; no amino-acid change (proline 138 retained).
Molecular consequence: synonymous variant.
Genome position (GRCh38, 1-based): chr19:12,878,767, C>T on the plus strand (G>A on the coding strand, the complement: DNASE2 is on the minus strand). VCF-style: chr19-12878767-C-T. GRCh37 (hg19) VCF-style: chr19-12989581-C-T.
Identifiers: ClinVar variation 1372419 (VCV001372419.8), dbSNP rs750747420, ClinGen allele CA9233793.

ClinVar aggregate classification (germline): Uncertain significance (1 of 4 stars; one submission).

Allele frequency attached by ClinVar (database versions not stated): ExAC 0.00001; gnomAD 0.00001; gnomAD exomes 0.00001 and 0.00002; TOPMed 0.00001.

Submission:

Labcorp Genetics (formerly Invitae), Labcorp
Classification: Uncertain significance. Last evaluated: 2022-06-20. Review status: criteria provided, single submitter. Criteria: Invitae Variant Classification Sherloc (09022015). Collection method: clinical testing. Allele origin: germline.
Comment: This sequence change affects codon 138 of the DNASE2 mRNA. It is a 'silent' change, meaning that it does not change the encoded amino acid sequence of the DNASE2 protein. In summary, the available evidence is currently insufficient to determine the role of this variant in disease. Therefore, it has been classified as a Variant of Uncertain Significance. Algorithms developed to predict the effect of sequence changes on RNA splicing suggest that this variant may disrupt the consensus splice site. This variant has not been reported in the literature in individuals affected with DNASE2-related conditions. This variant is present in population databases (rs750747420, gnomAD 0.007%).